The following is an entry in ClinVar:

NM_005359.6(SMAD4):c.271C>A (p.Pro91Thr)

Gene: SMAD4 (SMAD family member 4; plus strand). Cytogenetic location: 18q21.2.
Variant type: single nucleotide variant.
Coding change: c.271C>A on transcript NM_005359.6 (MANE Select); coding-DNA position 271, C replaced by A.
Protein change: p.Pro91Thr; replaces proline 91 with threonine.
Molecular consequence: missense variant.
Genome position (GRCh38, 1-based): chr18:51,048,707, C>A. VCF-style: chr18-51048707-C-A. GRCh37 (hg19) VCF-style: chr18-48575077-C-A.
Other names: c.271C>A, p.Pro91Thr (NM_001407041.1, NM_001407042.1, NM_001407043.1); short protein forms P91T.
Identifiers: ClinVar variation 1795158 (VCV001795158.2), dbSNP rs2144405194, ClinGen allele CA402458209.

ClinVar aggregate classification (germline): Uncertain significance (1 of 4 stars; one submission).

Conditions:
Familial thoracic aortic aneurysm and aortic dissection (TAAD). Also called: Thoracic aortic aneurysms and dissections. Identifiers: Orphanet 91387, MedGen C4707243, MONDO:0019625.
Hereditary cancer-predisposing syndrome. Also called: Tumor predisposition; Hereditary Cancer Syndrome; Neoplastic Syndromes, Hereditary; Hereditary neoplastic syndrome. Identifiers: Orphanet 140162, MedGen C0027672, MeSH D009386, MONDO:0015356.

Submission:

Ambry Genetics
Classification: Uncertain significance for Hereditary cancer-predisposing syndrome; Familial thoracic aortic aneurysm and aortic dissection. Last evaluated: 2024-01-16. Review status: criteria provided, single submitter. Criteria: Ambry Variant Classification Scheme 2023. Collection method: clinical testing. Allele origin: germline.
Comment: The p.P91T variant (also known as c.271C>A), located in coding exon 2 of the SMAD4 gene, results from a C to A substitution at nucleotide position 271. The proline at codon 91 is replaced by threonine, an amino acid with highly similar properties. This amino acid position is conserved. In addition, this alteration is predicted to be deleterious by in silico analysis. Since supporting evidence is limited at this time, the clinical significance of this alteration remains unclear.